The following is an entry in ClinVar:

ClinVar aggregate classification (germline): Likely benign (1 of 4 stars; one submission).

Allele frequency attached by ClinVar (database versions not stated): gnomAD 0.00001; TOPMed 0.00001; gnomAD exomes 0.00002.
gnomAD v4.1: 17 of 1,208,718 alleles (0.0014%); highest among the groups gnomAD compares: Non-Finnish European, 0.0019%; no homozygotes.

Submission:

CeGaT Center for Human Genetics Tuebingen
Classification: Likely benign. Last evaluated: 2023-04-01. Review status: criteria provided, single submitter. Criteria: CeGaT Center For Human Genetics Tuebingen Variant Classification Criteria Version 2. Collection method: clinical testing. Allele origin: germline. Affected: yes. Observed: 1 variant allele.
Comment: SLC9A7: BP4, BP7

NM_001257291.2(SLC9A7):c.1086G>A (p.Thr362=)

Gene: SLC9A7 (solute carrier family 9 member A7; minus strand). Cytogenetic location: Xp11.3.
Variant type: single nucleotide variant.
Coding change: c.1086G>A on transcript NM_001257291.2 (MANE Select); coding-DNA position 1086, G replaced by A.
Protein change: p.Thr362=; no amino-acid change (threonine 362 retained).
Molecular consequence: synonymous variant.
Genome position (GRCh38, 1-based): chrX:46,653,670, C>T on the plus strand (G>A on the coding strand, the complement: SLC9A7 is on the minus strand). VCF-style: chrX-46653670-C-T. GRCh37 (hg19) VCF-style: chrX-46513105-C-T.
Other names: c.1083G>A, p.Thr361= (NM_032591.3).
Identifiers: ClinVar variation 2660391 (VCV002660391.24), dbSNP rs1350494855, ClinGen allele CA516251200.